The following is an entry in ClinVar:

ClinVar aggregate classification (germline): Uncertain significance (1 of 4 stars; one submission).

gnomAD v4.1: 1 of 1,612,848 alleles (0.000062%); highest among the groups gnomAD compares: African/African-American, 0.0013%; no homozygotes.

Submission:

Labcorp Genetics (formerly Invitae), Labcorp
Classification: Uncertain significance. Last evaluated: 2024-08-21. Review status: criteria provided, single submitter. Criteria: Invitae Variant Classification Sherloc (09022015). Collection method: clinical testing. Allele origin: germline.
Comment: This sequence change replaces threonine, which is neutral and polar, with asparagine, which is neutral and polar, at codon 1167 of the ANK1 protein (p.Thr1167Asn). This variant is not present in population databases (gnomAD no frequency). This variant has not been reported in the literature in individuals affected with ANK1-related conditions. Invitae Evidence Modeling of protein sequence and biophysical properties (such as structural, functional, and spatial information, amino acid conservation, physicochemical variation, residue mobility, and thermodynamic stability) indicates that this missense variant is not expected to disrupt ANK1 protein function with a negative predictive value of 80%. In summary, the available evidence is currently insufficient to determine the role of this variant in disease. Therefore, it has been classified as a Variant of Uncertain Significance.

NM_000037.4(ANK1):c.3500C>A (p.Thr1167Asn)

Gene: ANK1 (ankyrin 1; minus strand). Cytogenetic location: 8p11.21.
Variant type: single nucleotide variant.
Coding change: c.3500C>A on transcript NM_000037.4 (MANE Select); coding-DNA position 3500, C replaced by A.
Protein change: p.Thr1167Asn; replaces threonine 1167 with asparagine.
Molecular consequence: missense variant.
Genome position (GRCh38, 1-based): chr8:41,693,930, G>T on the plus strand (C>A on the coding strand, the complement: ANK1 is on the minus strand). VCF-style: chr8-41693930-G-T. GRCh37 (hg19) VCF-style: chr8-41551448-G-T.
Other names: c.3623C>A, p.Thr1208Asn (NM_001142446.2); c.3500C>A, p.Thr1167Asn (NM_020475.3, NM_020476.3, NM_020477.3); short protein forms T1167N, T1208N.
Identifiers: ClinVar variation 3651181 (VCV003651181.2).
Genomic context (GRCh38, chr8:41,693,930, plus strand): 5'-ACAGAAGCGAGGCAGGGGCCCCTCTCACCAATGACGCTGCAAAGCAGGCGCAGGCTGGTG[G>T]TGTCTCCCTCCCCGCTGTCCCTCGGGTTGTCGGTCCAGGAAGGAGGTAGTGGGATCCGAA-3'
Protein context (NP_000028.3, residues 1157-1177): DNPRDSGEGD[Thr1167Asn]TSLRLLCSVI